The following is an entry in ClinVar:

ClinVar aggregate classification (germline): Uncertain significance (1 of 4 stars; one submission).

Conditions:
ZFHX4-related disorder. Also called: ZFHX4-related condition.

Submission:

PreventionGenetics, part of Exact Sciences
Classification: Uncertain significance for ZFHX4-related condition. Last evaluated: 2026-04-16. Review status: criteria provided, single submitter. Criteria: ACMG Guidelines, 2015. Collection method: clinical testing. Allele origin: germline.
Comment: The ZFHX4 c.6056C>T variant is predicted to result in the amino acid substitution p.Pro2019Leu. To our knowledge, this variant has not been reported in the literature or in a large population database (gnomAD), indicating this variant is rare. At this time, the clinical significance of this variant is uncertain due to the absence of conclusive functional and genetic evidence.

NM_024721.5(ZFHX4):c.6056C>T (p.Pro2019Leu)

Gene: ZFHX4 (zinc finger homeobox 4; plus strand). Cytogenetic location: 8q21.13.
Variant type: single nucleotide variant.
Coding change: c.6056C>T on transcript NM_024721.5 (MANE Select); coding-DNA position 6056, C replaced by T.
Protein change: p.Pro2019Leu; replaces proline 2019 with leucine.
Molecular consequence: missense variant.
Genome position (GRCh38, 1-based): chr8:76,852,977, C>T. VCF-style: chr8-76852977-C-T. GRCh37 (hg19) VCF-style: chr8-77765213-C-T.
Other names: c.5978C>T, p.Pro1993Leu (NM_001410934.1); short protein forms P2019L, P1993L.
Identifiers: ClinVar variation 4991458 (VCV004991458.1).